The following is an entry in ClinVar:

ClinVar aggregate classification (germline): Likely benign. Review status: criteria provided, single submitter (1 of 4 stars). 2 submissions from 2 submitters: Likely benign (1). 1 of the submissions does not count toward it. Last evaluated 2025-01-11.

Conditions:
WDR35-related disorder. Also called: WDR35-related condition; WDR35-related disorders. Identifiers: MedGen CN239419.
Short-rib thoracic dysplasia 7 with or without polydactyly (SRTD7). Also called: Short rib polydactyly syndrome 5; SHORT-RIB THORACIC DYSPLASIA 7 WITH POLYDACTYLY. Identifiers: Orphanet 498497, Orphanet 93271, MedGen C3279792, MONDO:0013569, OMIM 614091.
Cranioectodermal dysplasia 2 (CED2). Identifiers: Orphanet 1515, MedGen C3150874, MONDO:0013323, OMIM 613610.

Allele frequency attached by ClinVar (database versions not stated): gnomAD 0.00002; gnomAD exomes 0.00002 and 0.00003; TOPMed 0.00002.
gnomAD v4.1: 43 of 1,614,024 alleles (0.0027%); highest among the groups gnomAD compares: Middle Eastern, 0.016%; no homozygotes.

Submissions (2):

Labcorp Genetics (formerly Invitae), Labcorp
Classification: Likely benign for Cranioectodermal dysplasia 2; Short-rib thoracic dysplasia 7 with or without polydactyly. Last evaluated: 2025-01-11. Review status: criteria provided, single submitter. Criteria: Invitae Variant Classification Sherloc (09022015). Collection method: clinical testing. Allele origin: germline.

PreventionGenetics, part of Exact Sciences
Classification: Likely benign for WDR35-related condition. Last evaluated: 2019-06-10. Review status: no assertion criteria provided. Collection method: clinical testing. Allele origin: germline. Not counted in ClinVar's aggregate classification.
Comment: This variant is classified as likely benign based on ACMG/AMP sequence variant interpretation guidelines (Richards et al. 2015 PMID: 25741868, with internal and published modifications).

NM_020779.4(WDR35):c.3189C>T (p.Cys1063=)

Gene: WDR35 (WD repeat domain 35; minus strand). Cytogenetic location: 2p24.1.
Variant type: single nucleotide variant.
Coding change: c.3189C>T on transcript NM_020779.4 (MANE Select); coding-DNA position 3189, C replaced by T.
Protein change: p.Cys1063=; no amino-acid change (cysteine 1063 retained).
Molecular consequence: synonymous variant.
Genome position (GRCh38, 1-based): chr2:19,914,210, G>A on the plus strand (C>T on the coding strand, the complement: WDR35 is on the minus strand). VCF-style: chr2-19914210-G-A. GRCh37 (hg19) VCF-style: chr2-20113971-G-A.
Other names: c.3222C>T (NM_001006657.1); c.3222C>T, p.Cys1074= (NM_001006657.2).
Identifiers: ClinVar variation 1591702 (VCV001591702.10), dbSNP rs1295936600, ClinGen allele CA425249120.
Genomic context (GRCh38, chr2:19,914,210, plus strand): 5'-TAAAGATTTAAGTTTAATGAAAGCTTTTGAACAAGTCCCAAAGGCTCTGCTGGCGCATGC[G>A]CAGAGTGCTAGCAGAGAGTAGATCTCCACAGGAGGGATGATGTCTTCATAGTCTTTCAGG-3'
Protein context (NP_065830.2, residues 1053-1073): PVEIYSLLAL[Cys1063=]ACASRAFGTC